The following is an entry in ClinVar:

NM_201596.3(CACNB2):c.*835AAGT[3]

Gene: CACNB2 (calcium voltage-gated channel auxiliary subunit beta 2; plus strand). Cytogenetic location: 10p12.31.
Variant type: Microsatellite.
Coding change: c.*835AAGT[3] on transcript NM_201596.3 (MANE Select); three copies in a row of the 4-base unit AAGT starting at c.*835; the reference has two copies in a row; one copy, 4 bases duplicated.
Molecular consequence: 3 prime UTR variant.
Genome position (GRCh38, 1-based): chr10:18,540,563-18,540,566, AAGT duplicated; duplicating any 4 consecutive bases within chr10:18,540,557-18,540,566 gives the same sequence; the position shown is the placement nearest the transcript's 3' end. VCF-style (leftmost placement, unchanged base first): chr10-18540556-T-TGTAA. GRCh37 (hg19) VCF-style: chr10-18829485-T-TGTAA.
Other names: c.*835AAGT[3] (NM_000724.4, NM_001167945.2, NM_001330060.2 and 6 more transcripts).
Identifiers: ClinVar variation 299603 (VCV000299603.29), dbSNP rs547804393, ClinGen allele CA10628370.

ClinVar aggregate classification (germline): Benign (1 of 4 stars; one submission).

Submission:

CeGaT Center for Human Genetics Tuebingen
Classification: Benign. Last evaluated: 2022-09-01. Review status: criteria provided, single submitter. Criteria: CeGaT Center For Human Genetics Tuebingen Variant Classification Criteria Version 2. Collection method: clinical testing. Allele origin: germline. Affected: yes. Observed: 2 variant alleles.
Comment: CACNB2: BS1, BS2